The following is an entry in ClinVar:

ClinVar aggregate classification (germline): Conflicting classifications of pathogenicity. Review status: criteria provided, conflicting classifications (1 of 4 stars). 4 submissions from 4 submitters: Uncertain significance (1); Benign (1); Likely benign (2). Last evaluated 2026-01-21.

Conditions:
NMNAT1-related disorder. Also called: NMNAT1-related condition.
Spondyloepiphyseal dysplasia, sensorineural hearing loss, impaired intellectual development, and leber congenital amaurosis. Also called: SHILCA SYNDROME. Identifiers: Orphanet 611207, MedGen C5543257, MONDO:0031007, OMIM 619260.
Leber congenital amaurosis 9 (LCA9). Also called: LCA9 Leber Congenital Amaurosis; LCA 9; Amaurosis congenita of Leber, type 9. Identifiers: Orphanet 65, MedGen C1837873, MONDO:0012056, OMIM 608553.

Allele frequency attached by ClinVar (database versions not stated): gnomAD exomes 0.00010 and 0.00018; ExAC 0.00024; 1000 Genomes Project 0.00040; 1000 Genomes Project 30x 0.00047; gnomAD 0.00078 and 0.00101; ESP Exome Variant Server 0.00101; TOPMed 0.00105.
gnomAD v4.1: 289 of 1,605,146 alleles (0.018%); highest among the groups gnomAD compares: African/African-American, 0.27%; no homozygotes.

Submissions (4):

Labcorp Genetics (formerly Invitae), Labcorp
Classification: Likely benign for Leber congenital amaurosis 9. Last evaluated: 2026-01-21. Review status: criteria provided, single submitter. Criteria: Invitae Variant Classification Sherloc (09022015). Collection method: clinical testing. Allele origin: germline.

PreventionGenetics, part of Exact Sciences
Classification: Likely benign for NMNAT1-related condition. Last evaluated: 2024-10-15. Review status: criteria provided, single submitter. Criteria: ACMG Guidelines, 2015. Collection method: clinical testing. Allele origin: germline.
Comment: This variant is classified as likely benign based on ACMG/AMP sequence variant interpretation guidelines (Richards et al. 2015 PMID: 25741868, with internal and published modifications).

Blueprint Genetics
Classification: Benign. Last evaluated: 2024-07-04. Review status: criteria provided, single submitter. Criteria: ACMG Guidelines, 2015. Collection method: clinical testing. Allele origin: germline.

Department of Pathology and Laboratory Medicine, Sinai Health System
Classification: Uncertain significance for Leber congenital amaurosis 9; Spondyloepiphyseal dysplasia, sensorineural hearing loss, impaired intellectual development, and leber congenital amaurosis. Last evaluated: 2021-07-30. Review status: criteria provided, single submitter. Criteria: ACMG Guidelines, 2015. Collection method: research. Allele origin: germline.

NM_022787.4(NMNAT1):c.827A>C (p.Glu276Ala)

Gene: NMNAT1 (nicotinamide nucleotide adenylyltransferase 1; plus strand). Cytogenetic location: 1p36.22.
Variant type: single nucleotide variant.
Coding change: c.827A>C on transcript NM_022787.4 (MANE Select); coding-DNA position 827, A replaced by C.
Protein change: p.Glu276Ala; replaces glutamic acid 276 with alanine.
Molecular consequence: missense variant.
Genome position (GRCh38, 1-based): chr1:9,982,688, A>C. VCF-style: chr1-9982688-A-C. GRCh37 (hg19) VCF-style: chr1-10042746-A-C.
Other names: c.827A>C, p.Glu276Ala (NM_001297778.1); short protein forms E276A.
Identifiers: ClinVar variation 464671 (VCV000464671.14), dbSNP rs147220828, ClinGen allele CA579338.